The following is an entry in ClinVar:

ClinVar aggregate classification (germline): Pathogenic. Review status: criteria provided, multiple submitters, no conflicts (2 of 4 stars). 3 submissions from 3 submitters: Pathogenic (2). 1 of the submissions does not count toward it. Last evaluated 2023-12-21.

Conditions:
Familial hypokalemia-hypomagnesemia (GTLMNS). Also called: HYPOMAGNESEMIA-HYPOKALEMIA, PRIMARY RENOTUBULAR, WITH HYPOCALCIURIA; gitelman syndrome; POTASSIUM AND MAGNESIUM DEPLETION. Identifiers: Orphanet 358, MedGen C0268450, MONDO:0009904, OMIM 263800.
SLC12A3-related disorder. Also called: SLC12A3-related condition.

Allele frequency attached by ClinVar (database versions not stated): TOPMed below 0.00001.

Submissions (3):

Labcorp Genetics (formerly Invitae), Labcorp
Classification: Pathogenic. Last evaluated: 2023-12-21. Review status: criteria provided, single submitter. Criteria: Invitae Variant Classification Sherloc (09022015). Collection method: clinical testing. Allele origin: germline.
Comment: This sequence change replaces histidine, which is basic and polar, with tyrosine, which is neutral and polar, at codon 90 of the SLC12A3 protein (p.His90Tyr). This variant is not present in population databases (gnomAD no frequency). This missense change has been observed in individuals with Gitelman syndrome (PMID: 15687331, 22679066, 26770037). It has also been observed to segregate with disease in related individuals. ClinVar contains an entry for this variant (Variation ID: 653275). Advanced modeling of protein sequence and biophysical properties (such as structural, functional, and spatial information, amino acid conservation, physicochemical variation, residue mobility, and thermodynamic stability) has been performed at Invitae for this missense variant, however the output from this modeling did not meet the statistical confidence thresholds required to predict the impact of this variant on SLC12A3 protein function. This variant disrupts the p.His90 amino acid residue in SLC12A3. Other variant(s) that disrupt this residue have been observed in individuals with SLC12A3-related conditions (PMID: 24825090), which suggests that this may be a clinically significant amino acid residue. For these reasons, this variant has been classified as Pathogenic.

Blueprint Genetics
Classification: Pathogenic for SLC12A3-related disorders. Last evaluated: 2023-06-28. Review status: criteria provided, single submitter. Criteria: ACMG Guidelines, 2015. Collection method: clinical testing. Allele origin: germline. Affected: yes. Observed: 2 variant alleles.

Natera, Inc.
Classification: Likely pathogenic for Gitelman syndrome. Last evaluated: 2020-12-30. Review status: no assertion criteria provided. Collection method: clinical testing. Allele origin: germline. Not counted in ClinVar's aggregate classification.

Literature cited by the submitters: PubMed 15687331 (cited by Labcorp Genetics (formerly Invitae), Labcorp); PubMed 22679066 (cited by Labcorp Genetics (formerly Invitae), Labcorp); PubMed 26770037 (cited by Labcorp Genetics (formerly Invitae), Labcorp); PubMed 24825090 (cited by Labcorp Genetics (formerly Invitae), Labcorp).

NM_001126108.2(SLC12A3):c.268C>T (p.His90Tyr)

Gene: SLC12A3 (solute carrier family 12 member 3; plus strand). Cytogenetic location: 16q13.
Variant type: single nucleotide variant.
Coding change: c.268C>T on transcript NM_001126108.2 (MANE Select); coding-DNA position 268, C replaced by T.
Protein change: p.His90Tyr; replaces histidine 90 with tyrosine.
Molecular consequence: missense variant.
Genome position (GRCh38, 1-based): chr16:56,865,503, C>T. VCF-style: chr16-56865503-C-T. GRCh37 (hg19) VCF-style: chr16-56899415-C-T.
Other names: c.268C>T, p.His90Tyr (NM_000339.3, NM_001126107.2); short protein forms H90Y.
Identifiers: ClinVar variation 653275 (VCV000653275.12), dbSNP rs1596883431, ClinGen allele CA395977799.
Genomic context (GRCh38, chr16:56,865,503, plus strand): 5'-TATGCCAACAGCACCCAGCCTGGTGAGCCCCGGAAGGTCCGGCCCACACTGGCTGACCTG[C>T]ACTCCTTCCTCAAGGTAAGTGCTGTCTCAGAAGACTGGCCACTTCCCTGCTGTGTGACCT-3'
Protein context (NP_001119580.2, residues 80-100): RKVRPTLADL[His90Tyr]SFLKQEGRHL